The following is an entry in ClinVar:

NM_000478.6(ALPL):c.359G>T (p.Gly120Val)

Gene: ALPL (alkaline phosphatase, biomineralization associated; plus strand). Cytogenetic location: 1p36.12.
Variant type: single nucleotide variant.
Coding change: c.359G>T on transcript NM_000478.6 (MANE Select); coding-DNA position 359, G replaced by T.
Protein change: p.Gly120Val; replaces glycine 120 with valine.
Molecular consequence: missense variant.
Genome position (GRCh38, 1-based): chr1:21,563,171, G>T. VCF-style: chr1-21563171-G-T. GRCh37 (hg19) VCF-style: chr1-21889664-G-T.
Other names: c.194G>T, p.Gly65Val (NM_001127501.4); c.128G>T, p.Gly43Val (NM_001177520.3); c.359G>T, p.Gly120Val (NM_001369803.2, NM_001369804.2, NM_001369805.2); short protein forms G120V, G43V, G65V.
Identifiers: ClinVar variation 4086800 (VCV004086800.1).
Genomic context (GRCh38, chr1:21,563,171, plus strand): 5'-CGTACAACACCAATGCCCAGGTCCCTGACAGTGCCGGCACCGCCACCGCCTACCTGTGTG[G>T]GGTGAAGGCCAATGAGGGCACCGTGGGGGTAAGCGCAGCCACTGAGCGTTCCCGGTGCAA-3'
Protein context (NP_000469.3, residues 110-130): SAGTATAYLC[Gly120Val]VKANEGTVGV

ClinVar aggregate classification (germline): Uncertain significance (1 of 4 stars; one submission).

Conditions:
Hypophosphatasia. Also called: Phosphoethanol-aminuria. Identifiers: Orphanet 436, MedGen C0020630, MeSH D007014, MONDO:0018570.

Submission:

Genomenon, Inc
Classification: Uncertain significance for Hypophosphatasia. Last evaluated: 2025-08-29. Review status: criteria provided, single submitter. Criteria: Genomenon Sequence Variant Interpretation Standards. Collection method: curation. Allele origin: germline. Affected: no.
Comment: ALPL c.359G>T is a missense variant that changes the amino acid at residue 120 from Glycine to Valine. This variant has been reported in the published literature (PMID:29168297). It is absent or not present at a significant frequency in gnomAD. In silico models agree that this variant is possibly or probably damaging. In conclusion, we classify ALPL p.Gly120Val (c.359G>T) as a variant of unknown significance.

Literature cited by the submitters: PubMed 29168297.